The following is an entry in ClinVar:

NM_001267550.2(TTN):c.23307C>T (p.Val7769=)

Gene: TTN (titin; minus strand). Cytogenetic location: 2q31.2.
Variant type: single nucleotide variant.
Coding change: c.23307C>T on transcript NM_001267550.2 (MANE Select); coding-DNA position 23307, C replaced by T.
Protein change: p.Val7769=; no amino-acid change (valine 7769 retained).
Molecular consequence: synonymous variant. On other transcripts: intron variant (3).
Genome position (GRCh38, 1-based): chr2:178,720,455, G>A on the plus strand (C>T on the coding strand, the complement: TTN is on the minus strand). VCF-style: chr2-178720455-G-A. GRCh37 (hg19) VCF-style: chr2-179585182-G-A.
Other names: c.22356C>T, p.Val7452= (NM_001256850.1); c.19575C>T, p.Val6525= (NM_133378.4); c.13282+17627C>T (NM_003319.4); c.13858+17627C>T (NM_133437.4); c.13657+17627C>T (NM_133432.3).
Identifiers: ClinVar variation 1580953 (VCV001580953.17), dbSNP rs185860746, ClinGen allele CA2000664.

ClinVar aggregate classification (germline): Likely benign. Review status: criteria provided, multiple submitters, no conflicts (2 of 4 stars). 3 submissions from 3 submitters: Likely benign (3). Last evaluated 2025-11-25.

Conditions:
Autosomal recessive limb-girdle muscular dystrophy type 2J (LGMDR10). Also called: Limb-girdle muscular dystrophy, type 2J; MUSCULAR DYSTROPHY, LIMB-GIRDLE, AUTOSOMAL RECESSIVE 10. Identifiers: Orphanet 140922, MedGen C1837342, MONDO:0012127, OMIM 608807.
Dilated cardiomyopathy 1G (CMD1G). Identifiers: Orphanet 154, MedGen C1858763, MONDO:0011400, OMIM 604145.

Allele frequency attached by ClinVar (database versions not stated): gnomAD exomes 0.00001 and 0.00003; ExAC 0.00002; gnomAD 0.00002 and 0.00003; TOPMed 0.00006; 1000 Genomes Project 30x 0.00031; 1000 Genomes Project 0.00040.
gnomAD v4.1: 58 of 1,613,654 alleles (0.0036%); highest among the groups gnomAD compares: Admixed American, 0.0067%; no homozygotes.

Submissions (3):

Labcorp Genetics (formerly Invitae), Labcorp
Classification: Likely benign for Dilated cardiomyopathy 1G; Autosomal recessive limb-girdle muscular dystrophy type 2J. Last evaluated: 2025-11-25. Review status: criteria provided, single submitter. Criteria: Invitae Variant Classification Sherloc (09022015). Collection method: clinical testing. Allele origin: germline.

CeGaT Center for Human Genetics Tuebingen
Classification: Likely benign. Last evaluated: 2025-11-01. Review status: criteria provided, single submitter. Criteria: CeGaT Center For Human Genetics Tuebingen Variant Classification Criteria Version 2. Collection method: clinical testing. Allele origin: germline. Affected: yes. Observed: 2 variant alleles.
Comment: TTN: BP4, BP7

Molecular Diagnostic Laboratory for Inherited Cardiovascular Disease, Montreal Heart Institute
Classification: Likely benign. Last evaluated: 2025-07-24. Review status: criteria provided, single submitter. Criteria: ACMG Guidelines, 2015. Collection method: clinical testing. Allele origin: germline. Affected: no.